The following is an entry in ClinVar:

NM_000245.4(MET):c.1538T>A (p.Ile513Asn)

Gene: MET (MET proto-oncogene, receptor tyrosine kinase; plus strand). Cytogenetic location: 7q31.2.
Variant type: single nucleotide variant.
Coding change: c.1538T>A on transcript NM_000245.4 (MANE Select); coding-DNA position 1538, T replaced by A.
Protein change: p.Ile513Asn; replaces isoleucine 513 with asparagine.
Molecular consequence: missense variant.
Genome position (GRCh38, 1-based): chr7:116,740,862, T>A. VCF-style: chr7-116740862-T-A. GRCh37 (hg19) VCF-style: chr7-116380916-T-A.
Other names: c.1538T>A, p.Ile513Asn (NM_001127500.3, NM_001324401.3); c.248T>A, p.Ile83Asn (NM_001324402.2); short protein forms I83N, I513N.
Identifiers: ClinVar variation 642271 (VCV000642271.10), dbSNP rs1584923080, ClinGen allele CA368974971.

ClinVar aggregate classification (germline): Uncertain significance (1 of 4 stars; one submission).

Conditions:
Renal cell carcinoma. Identifiers: Orphanet 217071, MedGen C0007134, MeSH D002292, MONDO:0005086, HP:0005584.

Submission:

Labcorp Genetics (formerly Invitae), Labcorp
Classification: Uncertain significance for Renal cell carcinoma. Last evaluated: 2024-05-13. Review status: criteria provided, single submitter. Criteria: Invitae Variant Classification Sherloc (09022015). Collection method: clinical testing. Allele origin: germline.
Comment: This sequence change replaces isoleucine, which is neutral and non-polar, with asparagine, which is neutral and polar, at codon 513 of the MET protein (p.Ile513Asn). This variant is not present in population databases (gnomAD no frequency). This variant has not been reported in the literature in individuals affected with MET-related conditions. ClinVar contains an entry for this variant (Variation ID: 642271). Advanced modeling of protein sequence and biophysical properties (such as structural, functional, and spatial information, amino acid conservation, physicochemical variation, residue mobility, and thermodynamic stability) performed at Invitae indicates that this missense variant is expected to disrupt MET protein function with a positive predictive value of 80%. In summary, the available evidence is currently insufficient to determine the role of this variant in disease. Therefore, it has been classified as a Variant of Uncertain Significance.